The following is an entry in ClinVar:

ClinVar aggregate classification (germline): Uncertain significance. Review status: criteria provided, multiple submitters, no conflicts (2 of 4 stars). 2 submissions from 2 submitters: Uncertain significance (2). Last evaluated 2023-12-09.

Conditions:
Neurodevelopmental disorder. Identifiers: MedGen C1535926, MeSH D065886, MONDO:0700092.

Allele frequency attached by ClinVar (database versions not stated): gnomAD 0.00001; TOPMed 0.00001.
gnomAD v4.1: 2 of 1,601,772 alleles (0.00012%); highest among the groups gnomAD compares: African/African-American, 0.0027%; no homozygotes.

Submissions (2):

GeneDx
Classification: Uncertain significance. Last evaluated: 2023-12-09. Review status: criteria provided, single submitter. Criteria: GeneDx Variant Classification Process June 2021. Collection method: clinical testing. Allele origin: germline. Affected: yes.
Comment: Not observed at significant frequency in large population cohorts (gnomAD); In silico analysis supports that this missense variant does not alter protein structure/function; Has not been previously published as pathogenic or benign to our knowledge

Laboratory of Molecular Genetics (Pr. Bezieau's lab), CHU de Nantes
Classification: Uncertain significance for Neurodevelopmental disorder. Last evaluated: 2021-09-14. Review status: criteria provided, single submitter. Criteria: ACMG Guidelines, 2015. Collection method: clinical testing. Allele origin: germline. Affected: yes.

NM_015100.4(POGZ):c.2111C>G (p.Ser704Cys)

Gene: POGZ (pogo transposable element derived with ZNF domain; minus strand). Cytogenetic location: 1q21.3.
Variant type: single nucleotide variant.
Coding change: c.2111C>G on transcript NM_015100.4 (MANE Select); coding-DNA position 2111, C replaced by G.
Protein change: p.Ser704Cys; replaces serine 704 with cysteine.
Molecular consequence: missense variant.
Genome position (GRCh38, 1-based): chr1:151,408,532, G>C on the plus strand (C>G on the coding strand, the complement: POGZ is on the minus strand). VCF-style: chr1-151408532-G-C. GRCh37 (hg19) VCF-style: chr1-151381008-G-C.
Other names: c.2084C>G, p.Ser695Cys (NM_001194937.2); c.1925C>G, p.Ser642Cys (NM_001194938.2); c.1826C>G, p.Ser609Cys (NM_145796.4); c.1952C>G, p.Ser651Cys (NM_207171.2); short protein forms S609C, S642C, S651C, S695C, S704C.
Identifiers: ClinVar variation 1321973 (VCV001321973.2), dbSNP rs1654079494, ClinGen allele CA341956956.